The following is an entry in ClinVar:

ClinVar aggregate classification (germline): Uncertain significance (1 of 4 stars; one submission).

Allele frequency attached by ClinVar (database versions not stated): gnomAD exomes 0.00001.
gnomAD v4.1: 4 of 1,614,004 alleles (0.00025%); highest among the groups gnomAD compares: Non-Finnish European, 0.00034%; no homozygotes.

Submission:

Ambry Genetics
Classification: Uncertain significance. Last evaluated: 2023-04-09. Review status: criteria provided, single submitter. Criteria: Ambry Variant Classification Scheme 2023. Collection method: clinical testing. Allele origin: germline.
Comment: The p.G764A variant (also known as c.2291G>C), located in coding exon 13 of the PKP4 gene, results from a G to C substitution at nucleotide position 2291. The glycine at codon 764 is replaced by alanine, an amino acid with similar properties. This amino acid position is conserved. In addition, this alteration is predicted to be deleterious by in silico analysis. Since supporting evidence is limited at this time, the clinical significance of this alteration remains unclear.

NM_003628.6(PKP4):c.2291G>C (p.Gly764Ala)

Genes: PKP4 (plakophilin 4; plus strand), PKP4-AS1 (PKP4 antisense RNA 1; minus strand). Cytogenetic location: 2q24.1.
Variant type: single nucleotide variant.
Coding change: c.2291G>C on transcript NM_003628.6 (MANE Select); coding-DNA position 2291, G replaced by C.
Protein change: p.Gly764Ala; replaces glycine 764 with alanine.
Molecular consequence: missense variant.
Genome position (GRCh38, 1-based): chr2:158,662,976, G>C. VCF-style: chr2-158662976-G-C. GRCh37 (hg19) VCF-style: chr2-159519488-G-C.
Other names: c.2291G>C, p.Gly764Ala (NM_001005476.4, NM_001304971.2, NM_001377218.1 and 1 more transcripts); c.2288G>C, p.Gly763Ala (NM_001304969.3, NM_001377219.1, NM_001377220.1 and 2 more transcripts); c.1262G>C, p.Gly421Ala (NM_001304970.3); c.2285G>C, p.Gly762Ala (NM_001377222.1, NM_001377223.1); c.2282G>C, p.Gly761Ala (NM_001377224.1); short protein forms G762A, G761A, G763A, G421A, G764A.
Identifiers: ClinVar variation 2561560 (VCV002561560.2), dbSNP rs1246478482, ClinGen allele CA348902732.
Genomic context (GRCh38, chr2:158,662,976, plus strand): 5'-GCACCCTGAGGAACCTGTCCTATCGGCTGGAGCTGGAGGTGCCCCAGGCCCGGTTACTGG[G>C]ACTGAACGAATTGGATGACTTACTAGGAAAAGAGTCTCCCAGCAAAGACTCTGAGCCAAG-3'
Protein context (NP_003619.2, residues 754-774): ELEVPQARLL[Gly764Ala]LNELDDLLGK